The following is an entry in ClinVar:

ClinVar aggregate classification (germline): Uncertain significance (1 of 4 stars; one submission).

Conditions:
Combined immunodeficiency due to DOCK8 deficiency (HIES2). Also called: Hyper-IgE recurrent infection syndrome, autosomal recessive; HIES autosomal recessive; DOCK8 Deficiency; HYPER-IgE RECURRENT INFECTION SYNDROME 2, AUTOSOMAL RECESSIVE; HYPER-IgE SYNDROME 2, AUTOSOMAL RECESSIVE, WITH RECURRENT INFECTIONS. Identifiers: Orphanet 217390, MedGen C4722305, MONDO:0009478, OMIM 243700.

Allele frequency attached by ClinVar (database versions not stated): TOPMed below 0.00001; gnomAD 0.00001.
gnomAD v4.1: 18 of 1,613,638 alleles (0.0011%); highest among the groups gnomAD compares: Non-Finnish European, 0.0014%; no homozygotes.

Submissions (2):

Labcorp Genetics (formerly Invitae), Labcorp
Classification: Uncertain significance for Combined immunodeficiency due to DOCK8 deficiency. Last evaluated: 2024-08-14. Review status: criteria provided, single submitter. Criteria: Invitae Variant Classification Sherloc (09022015). Collection method: clinical testing. Allele origin: germline.
Comment: This sequence change falls in intron 47 of the DOCK8 gene. It does not directly change the encoded amino acid sequence of the DOCK8 protein. It affects a nucleotide within the consensus splice site. This variant is not present in population databases (gnomAD no frequency). This variant has not been reported in the literature in individuals affected with DOCK8-related conditions. ClinVar contains an entry for this variant (Variation ID: 1362578). Variants that disrupt the consensus splice site are a relatively common cause of aberrant splicing (PMID: 17576681, 9536098). Algorithms developed to predict the effect of sequence changes on RNA splicing suggest that this variant is not likely to affect RNA splicing. In summary, the available evidence is currently insufficient to determine the role of this variant in disease. Therefore, it has been classified as a Variant of Uncertain Significance.

Dr. Peter K. Rogan Lab, Western University
No classification provided (evidence only). Condition: Lung cancer. Review status: no classification provided. Collection method: in vitro. Allele origin: not applicable. Functional consequence: skipped exon. Not counted in ClinVar's aggregate classification.

Literature cited by the submitters: PubMed 17576681 (cited by Labcorp Genetics (formerly Invitae), Labcorp); PubMed 9536098 (cited by Labcorp Genetics (formerly Invitae), Labcorp).

NM_203447.4(DOCK8):c.6239+5G>A

Gene: DOCK8 (dedicator of cytokinesis 8; plus strand). Cytogenetic location: 9p24.3.
Variant type: single nucleotide variant.
Coding change: c.6239+5G>A on transcript NM_203447.4 (MANE Select); 5 bases into the intron after coding-DNA position 6239, G replaced by A.
Molecular consequence: intron variant.
Genome position (GRCh38, 1-based): chr9:463,692, G>A. VCF-style: chr9-463692-G-A. GRCh37 (hg19) VCF-style: chr9-463692-G-A.
Other names: c.6035+5G>A (NM_001193536.2); c.5939+5G>A (NM_001190458.2).
Identifiers: ClinVar variation 1362578 (VCV001362578.7), dbSNP rs1277476365, ClinGen allele CA1826921890.